The following is an entry in ClinVar:

ClinVar aggregate classification (germline): Likely pathogenic (1 of 4 stars; one submission).

Conditions:
Congenital lactase deficiency. Also called: ALACTASIA, CONGENITAL; DISACCHARIDE INTOLERANCE II. Identifiers: Orphanet 53690, MedGen C0268179, MONDO:0009115, OMIM 223000.

Submission:

Juno Genomics, Hangzhou Juno Genomics, Inc
Classification: Likely pathogenic for Congenital lactase deficiency. Review status: criteria provided, single submitter. Criteria: ACMG Guidelines, 2015. Collection method: clinical testing. Allele origin: germline.
Comment: Null variant in a gene where loss of function (LOF) is a known mechanism of disease.;Absent from controls (or at extremely low frequency if recessive) in Genome Aggregation Database.

NM_002299.4(LCT):c.3336C>G (p.Tyr1112Ter)

Gene: LCT (lactase; minus strand). Cytogenetic location: 2q21.3.
Variant type: single nucleotide variant.
Coding change: c.3336C>G on transcript NM_002299.4 (MANE Select); coding-DNA position 3336, C replaced by G.
Protein change: p.Tyr1112Ter; replaces tyrosine 1112 with a stop codon.
Molecular consequence: nonsense.
Genome position (GRCh38, 1-based): chr2:135,809,011, G>C on the plus strand (C>G on the coding strand, the complement: LCT is on the minus strand). VCF-style: chr2-135809011-G-C. GRCh37 (hg19) VCF-style: chr2-136566581-G-C.
Other names: short protein forms Y1112*.
Identifiers: ClinVar variation 5006075 (VCV005006075.2).
Genomic context (GRCh38, chr2:135,809,011, plus strand): 5'-CTTGGGCTCTGCCCAGTGTGTACTGAGGCTCAGCGAGATGACCCCCTTCTGCTCCTGCCT[G>C]TATTTCTCATCGTACGTGTGATAGACTCTGGCATGGGCTTTGATGACGGCGTGGGCTATC-3'